The following is an entry in ClinVar:

ClinVar aggregate classification (germline): Conflicting classifications of pathogenicity. Review status: criteria provided, conflicting classifications (1 of 4 stars). 5 submissions from 5 submitters: Uncertain significance (4); Likely benign (1). Last evaluated 2026-04-13.

Conditions:
TTN-related disorder. Also called: TTN-related disorders; TTN-related condition; TTN-related disease.
Dilated cardiomyopathy 1G (CMD1G). Identifiers: Orphanet 154, MedGen C1858763, MONDO:0011400, OMIM 604145.
Autosomal recessive limb-girdle muscular dystrophy type 2J (LGMDR10). Also called: Limb-girdle muscular dystrophy, type 2J; MUSCULAR DYSTROPHY, LIMB-GIRDLE, AUTOSOMAL RECESSIVE 10. Identifiers: Orphanet 140922, MedGen C1837342, MONDO:0012127, OMIM 608807.

Allele frequency attached by ClinVar (database versions not stated): ExAC 0.00001; gnomAD exomes 0.00003 and 0.00005; TOPMed 0.00007; gnomAD 0.00009 and 0.00010.
gnomAD v4.1: 62 of 1,613,580 alleles (0.0038%); highest among the groups gnomAD compares: South Asian, 0.035%; no homozygotes.

Submissions (5):

PreventionGenetics, part of Exact Sciences
Classification: Uncertain significance for TTN-related condition. Last evaluated: 2026-04-13. Review status: criteria provided, single submitter. Criteria: ACMG Guidelines, 2015. Collection method: clinical testing. Allele origin: germline.
Comment: The TTN c.98807G>A variant is predicted to result in the amino acid substitution p.Arg32936His. This variant has been reported in the homozygous state in an individual with autosomal recessive limb girdle muscular dystrophy type 10 (Khan et al. 2019. PubMed ID: 31664938). This variant is reported in 0.026% of alleles in individuals of South Asian descent in gnomAD and has conflicting interpretations regarding its pathogenicity in ClinVar, ranging from likely benign to uncertain (Variation ID: 238874). At this time, the clinical significance of this variant is uncertain due to the absence of conclusive functional and genetic evidence.

Revvity Omics, Revvity
Classification: Uncertain significance. Last evaluated: 2023-10-26. Review status: criteria provided, single submitter. Criteria: ACMG Guidelines, 2015. Collection method: clinical testing. Allele origin: germline.

CeGaT Center for Human Genetics Tuebingen
Classification: Uncertain significance. Last evaluated: 2023-03-01. Review status: criteria provided, single submitter. Criteria: CeGaT Center For Human Genetics Tuebingen Variant Classification Criteria Version 2. Collection method: clinical testing. Allele origin: germline. Affected: yes. Observed: 1 variant allele.
Comment: TTN: PM2

GeneDx
Classification: Likely benign. Last evaluated: 2020-02-10. Review status: criteria provided, single submitter. Criteria: GeneDx Variant Classification Process June 2021. Collection method: clinical testing. Allele origin: germline. Affected: yes.
Comment: This variant is associated with the following publications: (PMID: 31664938)

Labcorp Genetics (formerly Invitae), Labcorp
Classification: Uncertain significance for Dilated cardiomyopathy 1G; Autosomal recessive limb-girdle muscular dystrophy type 2J. Last evaluated: 2015-11-23. Review status: criteria provided, single submitter. Criteria: Invitae Variant Classification Sherloc (09022015). Collection method: clinical testing. Allele origin: germline.

NM_001267550.2(TTN):c.98807G>A (p.Arg32936His)

Genes: TTN-AS1 (TTN antisense RNA 1; plus strand), TTN (titin; minus strand). Cytogenetic location: 2q31.2.
Variant type: single nucleotide variant.
Coding change: c.98807G>A on transcript NM_001267550.2 (MANE Select); coding-DNA position 98807, G replaced by A.
Protein change: p.Arg32936His; replaces arginine 32936 with histidine.
Molecular consequence: missense variant. On other transcripts: non-coding transcript variant (1).
Genome position (GRCh38, 1-based): chr2:178,539,128, C>T on the plus strand (G>A on the coding strand, the complement: TTN is on the minus strand). VCF-style: chr2-178539128-C-T. GRCh37 (hg19) VCF-style: chr2-179403855-C-T.
Other names: c.93884G>A, p.Arg31295His (NM_001256850.1); c.71612G>A, p.Arg23871His (NM_003319.4); c.91103G>A, p.Arg30368His (NM_133378.4); c.71987G>A, p.Arg23996His (NM_133432.3); c.72188G>A, p.Arg24063His (NM_133437.4); short protein forms R32936H, R30368H, R23871H, R23996H, R31295H, R24063H.
Identifiers: ClinVar variation 238874 (VCV000238874.33), dbSNP rs774296358, ClinGen allele CA1986304.
Genomic context (GRCh38, chr2:178,539,128, plus strand): 5'-ATTGTGGTGGTGATCTGAGTCTTGTTGTGTCTGACCCACTTGTCAGTGGATGTCTCTTTG[C>T]GTTCGATGTAGTAGCCTGTGACTCTAGAACCACCATCATCTTTGGGCCGGGACCAGGACA-3'
Protein context (NP_001254479.2, residues 32926-32946): GSRVTGYYIE[Arg32936His]KETSTDKWVR